The following is an entry in ClinVar:

ClinVar aggregate classification (germline): Uncertain significance. Review status: criteria provided, multiple submitters, no conflicts (2 of 4 stars). 2 submissions from 2 submitters: Uncertain significance (2). Last evaluated 2024-11-02.

Conditions:
Inborn genetic diseases. Identifiers: MedGen C0950123, MeSH D030342.
Lipoic acid synthetase deficiency. Also called: HYPERGLYCINEMIA, LACTIC ACIDOSIS, AND SEIZURES. Identifiers: Orphanet 401859, MedGen C3280887, MONDO:0013762, OMIM 614462.

Allele frequency attached by ClinVar (database versions not stated): gnomAD 0.00003 and 0.00004; gnomAD exomes 0.00006 and 0.00007; ExAC 0.00007; TOPMed 0.00011.
gnomAD v4.1: 104 of 1,608,234 alleles (0.0065%); highest among the groups gnomAD compares: Non-Finnish European, 0.0086%; no homozygotes.

Submissions (2):

Labcorp Genetics (formerly Invitae), Labcorp
Classification: Uncertain significance for Lipoic acid synthetase deficiency. Last evaluated: 2024-11-02. Review status: criteria provided, single submitter. Criteria: Invitae Variant Classification Sherloc (09022015). Collection method: clinical testing. Allele origin: germline.
Comment: This sequence change replaces lysine, which is basic and polar, with asparagine, which is neutral and polar, at codon 36 of the LIAS protein (p.Lys36Asn). This variant is present in population databases (rs199942447, gnomAD 0.01%). This variant has not been reported in the literature in individuals affected with LIAS-related conditions. ClinVar contains an entry for this variant (Variation ID: 664973). An algorithm developed to predict the effect of missense changes on protein structure and function (PolyPhen-2) suggests that this variant¬†is likely to be tolerated. In summary, the available evidence is currently insufficient to determine the role of this variant in disease. Therefore, it has been classified as a Variant of Uncertain Significance.

Ambry Genetics
Classification: Uncertain significance for Inborn genetic diseases. Last evaluated: 2023-12-28. Review status: criteria provided, single submitter. Criteria: Ambry Variant Classification Scheme 2023. Collection method: clinical testing. Allele origin: germline.

NM_006859.4(LIAS):c.108G>T (p.Lys36Asn)

Gene: LIAS (lipoic acid synthetase; plus strand). Cytogenetic location: 4p14.
Variant type: single nucleotide variant.
Coding change: c.108G>T on transcript NM_006859.4 (MANE Select); coding-DNA position 108, G replaced by T.
Protein change: p.Lys36Asn; replaces lysine 36 with asparagine.
Molecular consequence: missense variant.
Genome position (GRCh38, 1-based): chr4:39,460,852, G>T. VCF-style: chr4-39460852-G-T. GRCh37 (hg19) VCF-style: chr4-39462472-G-T.
Other names: c.108G>T, p.Lys36Asn (NM_001278590.2, NM_001278591.2, NM_001278592.2 and 2 more transcripts); c.108G>T (NM_006859.2); short protein forms K36N.
Identifiers: ClinVar variation 664973 (VCV000664973.5), dbSNP rs199942447, ClinGen allele CA2894582.